The following is an entry in ClinVar:

NM_000722.4(CACNA2D1):c.659-18dup

Gene: CACNA2D1 (calcium voltage-gated channel auxiliary subunit alpha2delta 1; minus strand). Cytogenetic location: 7q21.11.
Variant type: Duplication.
Coding change: c.659-18dup on transcript NM_000722.4 (MANE Select); 18 bases into the intron before coding-DNA position 659, one base duplicated (T; older notation c.659-18dupT).
Molecular consequence: intron variant.
Genome position (GRCh38, 1-based): chr7:82,066,527, A duplicated on the plus strand (T on the coding strand, the reverse complement: CACNA2D1 is on the minus strand); the first of 16 consecutive A bases (chr7:82,066,527-82,066,542); duplicating any one gives the same sequence. VCF-style (leftmost placement, unchanged base first): chr7-82066526-T-TA. GRCh37 (hg19) VCF-style: chr7-81695842-T-TA.
Other names: p.?; c.659-18dup (NM_001366867.1, NM_001302890.2); c.659-3dup (LRG_437t1, NM_000722.4).
Identifiers: ClinVar variation 416577 (VCV000416577.6), dbSNP rs370103843, ClinGen allele CA4318269.

ClinVar aggregate classification (germline): Benign. Review status: criteria provided, multiple submitters, no conflicts (2 of 4 stars). 3 submissions from 3 submitters: Benign (3). Last evaluated 2023-03-23.

Submissions (3):

Mayo Clinic Laboratories, Mayo Clinic
Classification: Benign. Last evaluated: 2023-03-23. Review status: criteria provided, single submitter. Criteria: ACMG Guidelines, 2015. Collection method: clinical testing. Allele origin: germline. Observed: 87 variant alleles.
Comment: BA1, BP4, BP7

GeneDx
Classification: Benign. Last evaluated: 2019-08-10. Review status: criteria provided, single submitter. Criteria: GeneDx Variant Classification Process June 2021. Collection method: clinical testing. Allele origin: germline. Affected: yes.

Labcorp Genetics (formerly Invitae), Labcorp
Classification: Benign. Last evaluated: 2017-01-18. Review status: criteria provided, single submitter. Criteria: Invitae Variant Classification Sherloc (09022015). Collection method: clinical testing. Allele origin: germline.